The following is an entry in ClinVar:

NM_002474.3(MYH11):c.5913T>C (p.Ser1971=)

Genes: MYH11 (myosin heavy chain 11; minus strand), NDE1 (nudE neurodevelopment protein 1; plus strand). Cytogenetic location: 16p13.11.
Variant type: single nucleotide variant.
Coding change: c.5913T>C on transcript NM_002474.3 (MANE Select); coding-DNA position 5913, T replaced by C.
Protein change: p.Ser1971=; no amino-acid change (serine 1971 retained).
Molecular consequence: synonymous variant. On other transcripts: 3 prime UTR variant (2), intron variant (2).
Genome position (GRCh38, 1-based): chr16:15,703,997, A>G on the plus strand (T>C on the coding strand, the complement: MYH11 is on the minus strand). VCF-style: chr16-15703997-A-G. GRCh37 (hg19) VCF-style: chr16-15797854-A-G.
Other names: c.*135T>C (NM_001040113.2, NM_022844.3); c.5934T>C, p.Ser1978= (NM_001040114.2); c.947+7137A>G (NM_001143979.2, NM_017668.3).
Identifiers: ClinVar variation 5039491 (VCV005039491.1).

ClinVar aggregate classification (germline): Likely benign (1 of 4 stars; one submission).

Submission:

CeGaT Center for Human Genetics Tuebingen
Classification: Likely benign. Last evaluated: 2026-08-01. Review status: criteria provided, single submitter. Criteria: CeGaT Center For Human Genetics Tuebingen Variant Classification Criteria Version 2. Collection method: clinical testing. Allele origin: germline. Affected: yes. Observed: 1 variant allele.
Comment: MYH11: PM2:Supporting, BP4, BP7